The following is an entry in ClinVar:

ClinVar aggregate classification (germline): Conflicting classifications of pathogenicity. Review status: criteria provided, conflicting classifications (1 of 4 stars). 7 submissions from 7 submitters: Uncertain significance (4); Likely benign (2). 1 of the submissions does not count toward it. Last evaluated 2024-12-20.

Conditions:
TTN-related disorder. Also called: TTN-related condition; TTN-related disease; TTN-related disorders.
Cardiomyopathy (CMYO). Also called: Cardiomyopathies. Identifiers: Orphanet 167848, MedGen C0878544, MONDO:0004994, HP:0001638. Inheritance: Various modes of inheritance.
Autosomal recessive limb-girdle muscular dystrophy type 2J (LGMDR10). Also called: Limb-girdle muscular dystrophy, type 2J; MUSCULAR DYSTROPHY, LIMB-GIRDLE, AUTOSOMAL RECESSIVE 10. Identifiers: Orphanet 140922, MedGen C1837342, MONDO:0012127, OMIM 608807.
Dilated cardiomyopathy 1G (CMD1G). Identifiers: Orphanet 154, MedGen C1858763, MONDO:0011400, OMIM 604145.

Allele frequency attached by ClinVar (database versions not stated): gnomAD exomes 0.00008 and 0.00009; gnomAD 0.00009; ExAC 0.00016; TOPMed 0.00020.
gnomAD v4.1: 130 of 1,576,038 alleles (0.0082%); highest among the groups gnomAD compares: Admixed American, 0.022%; no homozygotes.

Submissions (7):

Revvity Omics, Revvity
Classification: Uncertain significance. Last evaluated: 2024-12-20. Review status: criteria provided, single submitter. Criteria: ACMG Guidelines, 2015. Collection method: clinical testing. Allele origin: germline.

Blueprint Genetics
Classification: Likely benign. Last evaluated: 2024-08-01. Review status: criteria provided, single submitter. Criteria: ACMG Guidelines, 2015. Collection method: clinical testing. Allele origin: germline.

GeneDx
Classification: Likely benign. Last evaluated: 2019-10-30. Review status: criteria provided, single submitter. Criteria: GeneDx Variant Classification Process June 2021. Collection method: clinical testing. Allele origin: germline. Affected: yes.

Eurofins Ntd Llc (ga)
Classification: Uncertain significance. Last evaluated: 2017-12-15. Review status: criteria provided, single submitter. Criteria: EGL Classification Definitions 2015. Collection method: clinical testing. Allele origin: germline. Observed: 1 variant allele, 1 heterozygote.

Labcorp Genetics (formerly Invitae), Labcorp
Classification: Uncertain significance for Dilated cardiomyopathy 1G; Autosomal recessive limb-girdle muscular dystrophy type 2J. Last evaluated: 2017-11-03. Review status: criteria provided, single submitter. Criteria: Invitae Variant Classification Sherloc (09022015). Collection method: clinical testing. Allele origin: germline.

CHEO Genetics Diagnostic Laboratory, Children's Hospital of Eastern Ontario
Classification: Uncertain significance for Cardiomyopathy. Last evaluated: 2015-12-01. Review status: criteria provided, single submitter. Criteria: ACMG Guidelines, 2015. Collection method: clinical testing. Allele origin: germline. Study: Canadian Open Genetics Repository.

PreventionGenetics, part of Exact Sciences
Classification: Uncertain significance for TTN-related condition. Last evaluated: 2024-08-11. Review status: no assertion criteria provided. Collection method: clinical testing. Allele origin: germline. Not counted in ClinVar's aggregate classification.
Comment: The TTN c.40395A>G variant is predicted to result in the amino acid substitution p.Ile13465Met. To our knowledge, this variant has not been reported in the literature. This variant is reported in 0.021% of alleles in individuals of Latino descent in gnomAD. At this time, the clinical significance of this variant is uncertain due to the absence of conclusive functional and genetic evidence.

NM_001267550.2(TTN):c.40395A>G (p.Ile13465Met)

Gene: TTN (titin; minus strand). Cytogenetic location: 2q31.2.
Variant type: single nucleotide variant.
Coding change: c.40395A>G on transcript NM_001267550.2 (MANE Select); coding-DNA position 40395, A replaced by G.
Protein change: p.Ile13465Met; replaces isoleucine 13465 with methionine.
Molecular consequence: missense variant. On other transcripts: intron variant (3).
Genome position (GRCh38, 1-based): chr2:178,645,933, T>C on the plus strand (A>G on the coding strand, the complement: TTN is on the minus strand). VCF-style: chr2-178645933-T-C. GRCh37 (hg19) VCF-style: chr2-179510660-T-C.
Other names: c.35472A>G, p.Ile11824Met (NM_001256850.1); c.32691A>G, p.Ile10897Met (NM_133378.4); c.13283-3616A>G (NM_003319.4); c.13859-3616A>G (NM_133437.4); c.13658-3616A>G (NM_133432.3); short protein forms I11824M, I13465M, I10897M.
Identifiers: ClinVar variation 515156 (VCV000515156.16), dbSNP rs766145596, ClinGen allele CA1996500.